The following is an entry in ClinVar:

NM_014141.6(CNTNAP2):c.3939C>T (p.Asn1313=)

Gene: CNTNAP2 (contactin associated protein 2; plus strand). Cytogenetic location: 7q36.1.
Variant type: single nucleotide variant.
Coding change: c.3939C>T on transcript NM_014141.6 (MANE Select); coding-DNA position 3939, C replaced by T.
Protein change: p.Asn1313=; no amino-acid change (asparagine 1313 retained).
Molecular consequence: synonymous variant.
Genome position (GRCh38, 1-based): chr7:148,415,559, C>T. VCF-style: chr7-148415559-C-T. GRCh37 (hg19) VCF-style: chr7-148112651-C-T.
Identifiers: ClinVar variation 517764 (VCV000517764.13), dbSNP rs777786908, ClinGen allele CA4546849.

ClinVar aggregate classification (germline): Likely benign. Review status: criteria provided, multiple submitters, no conflicts (2 of 4 stars). 2 submissions from 2 submitters: Likely benign (2). Last evaluated 2025-11-24.

Conditions:
Cortical dysplasia-focal epilepsy syndrome (PTHSL1). Also called: Pitt-Hopkins-like syndrome 1. Identifiers: Orphanet 163681, Orphanet 221150, MedGen C2750246, MONDO:0012400, OMIM 610042.

Allele frequency attached by ClinVar (database versions not stated): ExAC 0.00001; gnomAD 0.00001; gnomAD exomes 0.00001 and 0.00002; TOPMed 0.00003.
gnomAD v4.1: 16 of 1,614,102 alleles (0.00099%); highest among the groups gnomAD compares: Admixed American, 0.005%; no homozygotes.

Submissions (2):

Labcorp Genetics (formerly Invitae), Labcorp
Classification: Likely benign for Cortical dysplasia-focal epilepsy syndrome. Last evaluated: 2025-11-24. Review status: criteria provided, single submitter. Criteria: Invitae Variant Classification Sherloc (09022015). Collection method: clinical testing. Allele origin: germline.

GeneDx
Classification: Likely benign. Last evaluated: 2017-02-21. Review status: criteria provided, single submitter. Criteria: GeneDx Variant Classification (06012015). Collection method: clinical testing. Allele origin: germline. Affected: yes.
Comment: This variant is considered likely benign or benign based on one or more of the following criteria: it is a conservative change, it occurs at a poorly conserved position in the protein, it is predicted to be benign by multiple in silico algorithms, and/or has population frequency not consistent with disease.